The following is an entry in ClinVar:

ClinVar aggregate classification (germline): Uncertain significance (1 of 4 stars; one submission).

Allele frequency attached by ClinVar (database versions not stated): 1000 Genomes Project 30x 0.00016.
gnomAD v4.1: 15 of 1,613,796 alleles (0.00093%); highest among the groups gnomAD compares: Non-Finnish European, 0.0011%; no homozygotes.

Submission:

Labcorp Genetics (formerly Invitae), Labcorp
Classification: Uncertain significance. Last evaluated: 2021-12-03. Review status: criteria provided, single submitter. Criteria: Invitae Variant Classification Sherloc (09022015). Collection method: clinical testing. Allele origin: germline.
Comment: This sequence change replaces asparagine, which is neutral and polar, with lysine, which is basic and polar, at codon 315 of the STAMBP protein (p.Asn315Lys). This variant is present in population databases (rs560829426, gnomAD 0.005%). This variant has not been reported in the literature in individuals affected with STAMBP-related conditions. Algorithms developed to predict the effect of missense changes on protein structure and function are either unavailable or do not agree on the potential impact of this missense change (SIFT: "Deleterious"; PolyPhen-2: "Possibly Damaging"; Align-GVGD: "Class C0"). In summary, the available evidence is currently insufficient to determine the role of this variant in disease. Therefore, it has been classified as a Variant of Uncertain Significance.

NM_213622.4(STAMBP):c.945C>G (p.Asn315Lys)

Gene: STAMBP (STAM binding protein; plus strand). Cytogenetic location: 2p13.1.
Variant type: single nucleotide variant.
Coding change: c.945C>G on transcript NM_213622.4 (MANE Select); coding-DNA position 945, C replaced by G.
Protein change: p.Asn315Lys; replaces asparagine 315 with lysine.
Molecular consequence: missense variant. On other transcripts: non-coding transcript variant (4).
Genome position (GRCh38, 1-based): chr2:73,850,453, C>G. VCF-style: chr2-73850453-C-G. GRCh37 (hg19) VCF-style: chr2-74077580-C-G.
Other names: c.945C>G, p.Asn315Lys (NM_001353967.2, NM_001353968.2, NM_001353969.2 and 3 more transcripts); c.540C>G, p.Asn180Lys (NM_001353971.2, NM_001353972.2, NM_001353973.2 and 3 more transcripts); short protein forms N180K, N315K.
Identifiers: ClinVar variation 2182406 (VCV002182406.4), dbSNP rs560829426, ClinGen allele CA1717666.